The following is an entry in ClinVar:

ClinVar aggregate classification (germline): Uncertain significance. Review status: criteria provided, multiple submitters, no conflicts (2 of 4 stars). 3 submissions from 3 submitters: Uncertain significance (3). Last evaluated 2026-04-07.

Conditions:
Inborn genetic diseases. Identifiers: MedGen C0950123, MeSH D030342.

Allele frequency attached by ClinVar (database versions not stated): gnomAD exomes 0.00001 and 0.00002; ExAC 0.00003; gnomAD 0.00003 and 0.00004; TOPMed 0.00006; ESP Exome Variant Server 0.00008.
gnomAD v4.1: 14 of 1,612,044 alleles (0.00087%); highest among the groups gnomAD compares: African/African-American, 0.012%; no homozygotes.

Submissions (3):

Women's Health and Genetics/Laboratory Corporation of America, LabCorp
Classification: Uncertain significance. Last evaluated: 2026-04-07. Review status: criteria provided, single submitter. Criteria: LabCorp Variant Classification Summary - May 2015. Collection method: clinical testing. Allele origin: germline.
Comment: Variant summary: KIF11 c.746C>T (p.Thr249Met) results in a non-conservative amino acid change in the encoded protein sequence. Algorithms developed to predict the effect of missense changes on protein structure and function all suggest that this variant is likely to be disruptive. The variant allele was found at a frequency of 1.6e-05 in 250614 control chromosomes. The available data on variant occurrences in the general population are insufficient to allow any conclusion about variant significance. To our knowledge, no occurrence of c.746C>T in individuals affected with KIF11-related conditions and no experimental evidence demonstrating its impact on protein function have been reported. ClinVar contains an entry for this variant (Variation ID: 955137). Based on the evidence outlined above, the variant was classified as uncertain significance.

Ambry Genetics
Classification: Uncertain significance for Inborn genetic diseases. Last evaluated: 2025-08-22. Review status: criteria provided, single submitter. Criteria: Ambry Variant Classification Scheme 2023. Collection method: clinical testing. Allele origin: germline.

Labcorp Genetics (formerly Invitae), Labcorp
Classification: Uncertain significance. Last evaluated: 2024-10-24. Review status: criteria provided, single submitter. Criteria: Invitae Variant Classification Sherloc (09022015). Collection method: clinical testing. Allele origin: germline.
Comment: This sequence change replaces threonine, which is neutral and polar, with methionine, which is neutral and non-polar, at codon 249 of the KIF11 protein (p.Thr249Met). This variant is present in population databases (rs374727361, gnomAD 0.02%). This variant has not been reported in the literature in individuals affected with KIF11-related conditions. ClinVar contains an entry for this variant (Variation ID: 955137). Invitae Evidence Modeling of protein sequence and biophysical properties (such as structural, functional, and spatial information, amino acid conservation, physicochemical variation, residue mobility, and thermodynamic stability) has been performed for this missense variant. However, the output from this modeling did not meet the statistical confidence thresholds required to predict the impact of this variant on KIF11 protein function. Algorithms developed to predict the effect of sequence changes on RNA splicing suggest that this variant may disrupt the consensus splice site. In summary, the available evidence is currently insufficient to determine the role of this variant in disease. Therefore, it has been classified as a Variant of Uncertain Significance.

NM_004523.4(KIF11):c.746C>T (p.Thr249Met)

Gene: KIF11 (kinesin family member 11; plus strand). Cytogenetic location: 10q23.33.
Variant type: single nucleotide variant.
Coding change: c.746C>T on transcript NM_004523.4 (MANE Select); coding-DNA position 746, C replaced by T.
Protein change: p.Thr249Met; replaces threonine 249 with methionine.
Molecular consequence: missense variant.
Genome position (GRCh38, 1-based): chr10:92,613,087, C>T. VCF-style: chr10-92613087-C-T. GRCh37 (hg19) VCF-style: chr10-94372844-C-T.
Other names: short protein forms T249M.
Identifiers: ClinVar variation 955137 (VCV000955137.10), dbSNP rs374727361, ClinGen allele CA5604062.